The following is an entry in ClinVar:

NM_001276270.2(MBD4):c.1543+5T>G

Gene: MBD4 (methyl-CpG binding domain 4, DNA glycosylase; minus strand). Cytogenetic location: 3q21.3.
Variant type: single nucleotide variant.
Coding change: c.1543+5T>G on transcript NM_001276270.2 (MANE Select); 5 bases into the intron after coding-DNA position 1543, T replaced by G.
Molecular consequence: intron variant.
Genome position (GRCh38, 1-based): chr3:129,433,093, A>C on the plus strand (T>G on the coding strand, the complement: MBD4 is on the minus strand). VCF-style: chr3-129433093-A-C. GRCh37 (hg19) VCF-style: chr3-129151936-A-C.
Other names: c.1561+5T>G (NM_001276272.2, NM_003925.3, NM_001276271.2); c.607+5T>G (NM_001276273.2).
Identifiers: ClinVar variation 4624379 (VCV004624379.1).
Genomic context (GRCh38, chr3:129,433,093, plus strand): 5'-AAGGTGTGGCTCTCTTAAATAAGCACAATGTATTATGTTTTTCCTTTGGGTGTATAGGAA[A>C]ATACCTGAGAACTTGACAATGGTTTTTGCCCGAAGATCGTAGAGACCAAGAGGTTTAAGA-3'

ClinVar aggregate classification (germline): Uncertain significance (1 of 4 stars; one submission).

Conditions:
Inborn genetic diseases. Identifiers: MedGen C0950123, MeSH D030342.

Submission:

Ambry Genetics
Classification: Uncertain significance for Inborn genetic diseases. Last evaluated: 2025-10-03. Review status: criteria provided, single submitter. Criteria: Ambry Variant Classification Scheme 2023. Collection method: clinical testing. Allele origin: germline.
Comment: The c.1543+5T>G intronic variant results from a T to G substitution 5 nucleotides after coding exon 6 in the MBD4 gene. This nucleotide position is not well conserved in available vertebrate species. In silico splice site analysis predicts that this alteration will not have any significant effect on splicing. Based on the available evidence, the clinical significance of this variant remains unclear.